The following is an entry in ClinVar:

ClinVar aggregate classification (germline): Pathogenic (1 of 4 stars; one submission).

Submission:

Labcorp Genetics (formerly Invitae), Labcorp
Classification: Pathogenic. Last evaluated: 2024-09-05. Review status: criteria provided, single submitter. Criteria: Invitae Variant Classification Sherloc (09022015). Collection method: clinical testing. Allele origin: germline.
Comment: This sequence change creates a premature translational stop signal (p.Gln62Serfs*31) in the SGPL1 gene. It is expected to result in an absent or disrupted protein product. Loss-of-function variants in SGPL1 are known to be pathogenic (PMID: 28165339, 28165343). This variant is not present in population databases (gnomAD no frequency). This variant has not been reported in the literature in individuals affected with SGPL1-related conditions. For these reasons, this variant has been classified as Pathogenic.

Literature cited by the submitters: PubMed 28165339; PubMed 28165343.

NM_003901.4(SGPL1):c.184del (p.Gln62fs)

Gene: SGPL1 (sphingosine-1-phosphate lyase 1; plus strand). Cytogenetic location: 10q22.1.
Variant type: Deletion.
Coding change: c.184del on transcript NM_003901.4 (MANE Select); coding-DNA position 184, one base deleted (C; older notation c.184delC).
Protein change: p.Gln62fs; shifts the reading frame from glutamine 62.
Molecular consequence: frameshift variant.
Genome position (GRCh38, 1-based): chr10:70,844,629, C deleted; the last of 2 consecutive C bases (chr10:70,844,628-70,844,629); deleting either gives the same sequence. VCF-style (leftmost placement, unchanged base first): chr10-70844627-TC-T. GRCh37 (hg19) VCF-style: chr10-72604384-TC-T.
Other names: short protein forms Q62fs.
Identifiers: ClinVar variation 3617997 (VCV003617997.2).
Genomic context (GRCh38, chr10:70,844,627, plus strand): 5'-AGCTAATTGCATGGAGTGTCGTGTGGACCCTGCTGATAGTCTGGGGATATGAGTTTGTCT[TC>T]CAGCCAGAGAGTAAGTATGCTGTCTCCTCTGTAAAGGTATAGTGGTGTGTCACTAGCCTC-3'